The following is an entry in ClinVar:

ClinVar aggregate classification (germline): Uncertain significance. Review status: criteria provided, single submitter (1 of 4 stars). 2 submissions from 2 submitters: Uncertain significance (1). 1 of the submissions does not count toward it. Last evaluated 2025-05-02.

Conditions:
Cardiovascular phenotype. Identifiers: MedGen CN230736.

Allele frequency attached by ClinVar (database versions not stated): gnomAD exomes 0.00002 and 0.00009; ExAC 0.00004; TOPMed 0.00007; gnomAD 0.00018.
gnomAD v4.1: 47 of 1,610,982 alleles (0.0029%); highest among the groups gnomAD compares: Admixed American, 0.072%; no homozygotes.

Submissions (2):

Ambry Genetics
Classification: Uncertain significance for Cardiovascular phenotype. Last evaluated: 2025-05-02. Review status: criteria provided, single submitter. Criteria: Ambry Variant Classification Scheme 2023. Collection method: clinical testing. Allele origin: germline.
Comment: The p.T3152A variant (also known as c.9454A>G), located in coding exon 27 of the TNXB gene, results from an A to G substitution at nucleotide position 9454. The threonine at codon 3152 is replaced by alanine, an amino acid with similar properties. This amino acid position is conserved. In addition, this alteration is predicted to be tolerated by in silico analysis. Since supporting evidence is limited at this time, the clinical significance of this alteration remains unclear.

Department of Pathology and Laboratory Medicine, Sinai Health System
Classification: Uncertain significance. Review status: no assertion criteria provided. Collection method: clinical testing. Allele origin: unknown. Affected: yes. Study: The Canadian Open Genetics Repository (COGR). Not counted in ClinVar's aggregate classification.
Comment: The TNXB p.Thr3152Ala variant was not identified in the literature nor was it identified in ClinVar, Cosmic, or LOVD 3.0. The variant was identified in dbSNP (ID: rs777498453) and was also found in control databases in 23 of 243508 chromosomes at a frequency of 0.000094 (Genome Aggregation Database Feb 27, 2017). The variant was observed in the following populations: Latino in 22 of 34372 chromosomes (freq: 0.00064), European (non-Finnish) in 1 of 109254 chromosomes (freq: 0.000009), while the variant was not observed in the African, Ashkenazi Jewish, East Asian, European (Finnish), Other, and South Asian populations. The variant occurs outside of the splicing consensus sequence and in silico or computational prediction software programs (SpliceSiteFinder, MaxEntScan, NNSPLICE, GeneSplicer) do not predict a difference in splicing. The p.Thr3152 residue is conserved across mammals and other organisms however four out of five computational analyses (PolyPhen-2, AlignGVGD, BLOSUM, MutationTaster) do not suggest a high likelihood of impact to the protein; this information is not predictive enough to rule out pathogenicity. In summary, based on the above information the clinical significance of this variant cannot be determined with certainty at this time. This variant is classified as a variant of uncertain significance.

NM_001365276.2(TNXB):c.9460A>G (p.Thr3154Ala)

Gene: TNXB (tenascin XB; minus strand). Cytogenetic location: 6p21.33.
Variant type: single nucleotide variant.
Coding change: c.9460A>G on transcript NM_001365276.2 (MANE Select); coding-DNA position 9460, A replaced by G.
Protein change: p.Thr3154Ala; replaces threonine 3154 with alanine.
Molecular consequence: missense variant.
Genome position (GRCh38, 1-based): chr6:32,049,567, T>C on the plus strand (A>G on the coding strand, the complement: TNXB is on the minus strand). VCF-style: chr6-32049567-T-C. GRCh37 (hg19) VCF-style: chr6-32017344-T-C.
Other names: c.9454A>G, p.Thr3152Ala (NM_019105.8); short protein forms T3152A, T3154A.
Identifiers: ClinVar variation 1050583 (VCV001050583.5), dbSNP rs777498453, ClinGen allele CA3733515.